The following is an entry in ClinVar:

ClinVar aggregate classification (germline): Conflicting classifications of pathogenicity. Review status: criteria provided, conflicting classifications (1 of 4 stars). 2 submissions from 2 submitters: Likely pathogenic (1); Uncertain significance (1). Last evaluated 2025-05-19.

Conditions:
Oculocutaneous albinism type 1A (OCA1A). Also called: Albinism, oculocutaneous, type IA. Identifiers: Orphanet 352731, Orphanet 79431, MedGen C4551504, MONDO:0008745, OMIM 203100. Disease mechanism: loss of function.
Oculocutaneous albinism type 1B (OCA1B). Also called: YELLOW ALBINISM; ALBINISM, OCULOCUTANEOUS, TYPE IB; ALBINISM, YELLOW MUTANT TYPE. Identifiers: Orphanet 352731, Orphanet 352737, Orphanet 79434, MedGen C1847024, MONDO:0011749, OMIM 606952.

Submissions (2):

Women's Health and Genetics/Laboratory Corporation of America, LabCorp
Classification: Uncertain significance. Last evaluated: 2025-05-19. Review status: criteria provided, single submitter. Criteria: LabCorp Variant Classification Summary - May 2015. Collection method: clinical testing. Allele origin: germline.
Comment: Variant summary: TYR c.1130T>G (p.Val377Gly) results in a non-conservative amino acid change in the encoded protein sequence. Algorithms developed to predict the effect of missense changes on protein structure and function all suggest that this variant is likely to be disruptive. The variant was absent in 251002 control chromosomes (gnomAD). The available data on variant occurrences in the general population are insufficient to allow any conclusion about variant significance. To our knowledge, no occurrence of c.1130T>G in individuals affected with Oculocutaneous Albinism and no experimental evidence demonstrating its impact on protein function have been reported. No submitters have cited clinical-significance assessments for this variant to ClinVar. Based on the evidence outlined above, the variant was classified as uncertain significance.

Laboratory of Genetic Epidemiology, Research Centre for Medical Genetics
Classification: Likely pathogenic for Oculocutaneous albinism type 1A; Oculocutaneous albinism type 1B. Last evaluated: 2025-01-01. Review status: criteria provided, single submitter. Criteria: ACMG Guidelines, 2015. Collection method: clinical testing. Allele origin: paternal. Inheritance: Autosomal recessive inheritance. Affected: yes. Observed: 1 compound heterozygote.
Comment: This variant has not been previously reported in the literature and is not listed in gnomAD v3.1.2. The affected amino acid position is evolutionarily conserved and located nearby the important amino acids (His367 - the copper binding site and Asn371 - the N-glycosylation site) (PMID: 12028580). The functional analysis performed showed no impact on splicing. Multiple in silico prediction tools support a deleterious effect. Taken together, the variant meets the following ACMG/AMP criteria and can be classified as likely pathogenic with PM2, PP3, PM3, PP5, PP4 criteria.

Literature cited by the submitters: PubMed 12028580 (cited by Laboratory of Genetic Epidemiology, Research Centre for Medical Genetics); PubMed 41428507 (cited by Laboratory of Genetic Epidemiology, Research Centre for Medical Genetics).

NM_000372.5(TYR):c.1130T>G (p.Val377Gly)

Gene: TYR (tyrosinase; plus strand). Cytogenetic location: 11q14.3.
Variant type: single nucleotide variant.
Coding change: c.1130T>G on transcript NM_000372.5 (MANE Select); coding-DNA position 1130, T replaced by G.
Protein change: p.Val377Gly; replaces valine 377 with glycine.
Molecular consequence: missense variant.
Genome position (GRCh38, 1-based): chr11:89,227,916, T>G. VCF-style: chr11-89227916-T-G. GRCh37 (hg19) VCF-style: chr11-88961084-T-G.
Other names: short protein forms V377G.
Identifiers: ClinVar variation 3902130 (VCV003902130.2).